The following is an entry in ClinVar:

ClinVar aggregate classification (germline): Likely benign. Review status: criteria provided, multiple submitters, no conflicts (2 of 4 stars). 3 submissions from 3 submitters: Likely benign (3). Last evaluated 2026-02-01.

Allele frequency attached by ClinVar (database versions not stated): gnomAD 0.00001; gnomAD exomes 0.00003 and 0.00008; TOPMed 0.00003.
gnomAD v4.1: 39 of 1,472,446 alleles (0.0026%); highest among the groups gnomAD compares: Admixed American, 0.0051%; no homozygotes.

Submissions (3):

CeGaT Center for Human Genetics Tuebingen
Classification: Likely benign. Last evaluated: 2026-02-01. Review status: criteria provided, single submitter. Criteria: CeGaT Center For Human Genetics Tuebingen Variant Classification Criteria Version 2. Collection method: clinical testing. Allele origin: germline. Affected: yes. Observed: 1 variant allele.
Comment: NEFH: BP4, BP7

Women's Health and Genetics/Laboratory Corporation of America, LabCorp
Classification: Likely benign. Last evaluated: 2025-03-25. Review status: criteria provided, single submitter. Criteria: LabCorp Variant Classification Summary - May 2015. Collection method: clinical testing. Allele origin: germline.

Labcorp Genetics (formerly Invitae), Labcorp
Classification: Likely benign. Last evaluated: 2024-11-06. Review status: criteria provided, single submitter. Criteria: Invitae Variant Classification Sherloc (09022015). Collection method: clinical testing. Allele origin: germline.

NM_021076.4(NEFH):c.465C>A (p.Gly155=)

Gene: NEFH (neurofilament heavy chain; plus strand). Cytogenetic location: 22q12.2.
Variant type: single nucleotide variant.
Coding change: c.465C>A on transcript NM_021076.4 (MANE Select); coding-DNA position 465, C replaced by A.
Protein change: p.Gly155=; no amino-acid change (glycine 155 retained).
Molecular consequence: synonymous variant.
Genome position (GRCh38, 1-based): chr22:29,480,727, C>A. VCF-style: chr22-29480727-C-A. GRCh37 (hg19) VCF-style: chr22-29876716-C-A.
Identifiers: ClinVar variation 1579413 (VCV001579413.13), dbSNP rs780610863, ClinGen allele CA323082986.